The following is an entry in ClinVar:

NM_000540.3(RYR1):c.13924C>T (p.Pro4642Ser)

Gene: RYR1 (ryanodine receptor 1; plus strand). Cytogenetic location: 19q13.2.
Variant type: single nucleotide variant.
Coding change: c.13924C>T on transcript NM_000540.3 (MANE Select); coding-DNA position 13924, C replaced by T.
Protein change: p.Pro4642Ser; replaces proline 4642 with serine.
Molecular consequence: missense variant.
Genome position (GRCh38, 1-based): chr19:38,572,196, C>T. VCF-style: chr19-38572196-C-T. GRCh37 (hg19) VCF-style: chr19-39062836-C-T.
Other names: c.13909C>T, p.Pro4637Ser (NM_001042723.2); short protein forms P4637S, P4642S.
Identifiers: ClinVar variation 2571043 (VCV002571043.27), dbSNP rs780958728, ClinGen allele CA405681153.

ClinVar aggregate classification (germline): Uncertain significance (1 of 4 stars; one submission).

gnomAD v4.1: 2 of 1,614,004 alleles (0.00012%); highest among the groups gnomAD compares: Non-Finnish European, 0.00017%; no homozygotes.

Submission:

CeGaT Center for Human Genetics Tuebingen
Classification: Uncertain significance. Last evaluated: 2023-05-01. Review status: criteria provided, single submitter. Criteria: CeGaT Center For Human Genetics Tuebingen Variant Classification Criteria Version 2. Collection method: clinical testing. Allele origin: germline. Affected: yes. Observed: 1 variant allele.
Comment: RYR1: PM2, PP3